The following is an entry in ClinVar:

ClinVar aggregate classification (germline): Uncertain significance (1 of 4 stars; one submission).

Conditions:
Cardiovascular phenotype. Identifiers: MedGen CN230736.

gnomAD v4.1: 1 of 1,612,416 alleles (0.000062%); highest among the groups gnomAD compares: African/African-American, 0.0013%; no homozygotes.

Submission:

Ambry Genetics
Classification: Uncertain significance for Cardiovascular phenotype. Last evaluated: 2024-03-27. Review status: criteria provided, single submitter. Criteria: Ambry Variant Classification Scheme 2023. Collection method: clinical testing. Allele origin: germline.
Comment: The p.L1184F variant (also known as c.3552A>T), located in coding exon 10 of the AKAP9 gene, results from an A to T substitution at nucleotide position 3552. The leucine at codon 1184 is replaced by phenylalanine, an amino acid with highly similar properties. This amino acid position is conserved. In addition, this alteration is predicted to be tolerated by in silico analysis. Based on the available evidence, the clinical significance of this alteration remains unclear.

NM_005751.5(AKAP9):c.3552A>T (p.Leu1184Phe)

Gene: AKAP9 (A-kinase anchoring protein 9; plus strand). Cytogenetic location: 7q21.2.
Variant type: single nucleotide variant.
Coding change: c.3552A>T on transcript NM_005751.5 (MANE Select); coding-DNA position 3552, A replaced by T.
Protein change: p.Leu1184Phe; replaces leucine 1184 with phenylalanine.
Molecular consequence: missense variant.
Genome position (GRCh38, 1-based): chr7:92,014,268, A>T. VCF-style: chr7-92014268-A-T. GRCh37 (hg19) VCF-style: chr7-91643582-A-T.
Other names: c.3552A>T, p.Leu1184Phe (NM_147185.3); short protein forms L1184F.
Identifiers: ClinVar variation 3281496 (VCV003281496.1).